The following is an entry in ClinVar:

NM_001303256.3(MORC2):c.431T>C (p.Ile144Thr)

Gene: MORC2 (MORC family CW-type zinc finger 2; minus strand). Cytogenetic location: 22q12.2.
Variant type: single nucleotide variant.
Coding change: c.431T>C on transcript NM_001303256.3 (MANE Select); coding-DNA position 431, T replaced by C.
Protein change: p.Ile144Thr; replaces isoleucine 144 with threonine.
Molecular consequence: missense variant.
Genome position (GRCh38, 1-based): chr22:30,942,267, A>G on the plus strand (T>C on the coding strand, the complement: MORC2 is on the minus strand). VCF-style: chr22-30942267-A-G. GRCh37 (hg19) VCF-style: chr22-31338254-A-G.
Other names: c.431T>C, p.Ile144Thr (NM_001303257.2); c.245T>C, p.Ile82Thr (NM_014941.3); short protein forms I144T, I82T.
Identifiers: ClinVar variation 4854673 (VCV004854673.1).

ClinVar aggregate classification (germline): Uncertain significance (1 of 4 stars; one submission).

Conditions:
Developmental delay, impaired growth, dysmorphic facies, and axonal neuropathy. Identifiers: MedGen C5436781, MONDO:0030835, OMIM 619090.

Submission:

3billion
Classification: Uncertain significance for Developmental delay, impaired growth, dysmorphic facies, and axonal neuropathy. Last evaluated: 2025-11-25. Review status: criteria provided, single submitter. Criteria: ACMG Guidelines, 2015. Collection method: clinical testing. Allele origin: germline. Affected: yes.
Comment: The variant is observed at an extremely low frequency in the gnomAD v4.1.0 dataset (total allele frequency: <0.001%). Predicted Consequence/Location: Missense variant. Missense changes are a common disease-causing mechanism. In silico tool predictions suggest damaging effect of the variant on gene or gene product [3Cnet: 0.99 (> 0.75, sensitivity 0.96 and precision 0.92)]. Different missense changes at the same codon have been reported as of uncertain significance (ClinVar ID: VCV003901669). Therefore, this variant is classified as VUS according to the recommendation of ACMG/AMP guideline.